The following is an entry in ClinVar:

ClinVar aggregate classification (germline): Uncertain significance (1 of 4 stars; one submission).

Submission:

GeneDx
Classification: Uncertain significance. Last evaluated: 2026-02-21. Review status: criteria provided, single submitter. Criteria: GeneDx Variant Classification Process June 2021. Collection method: clinical testing. Allele origin: germline.
Comment: Not observed at significant frequency in large population cohorts (gnomAD); In silico analysis suggests that this missense variant does not alter protein structure/function; Has not been previously published as pathogenic or benign to our knowledge

NM_024757.5(EHMT1):c.939T>G (p.Ile313Met)

Gene: EHMT1 (euchromatic histone lysine methyltransferase 1; plus strand). Cytogenetic location: 9q34.3.
Variant type: single nucleotide variant.
Coding change: c.939T>G on transcript NM_024757.5 (MANE Select); coding-DNA position 939, T replaced by G.
Protein change: p.Ile313Met; replaces isoleucine 313 with methionine.
Molecular consequence: missense variant.
Genome position (GRCh38, 1-based): chr9:137,743,486, T>G. VCF-style: chr9-137743486-T-G. GRCh37 (hg19) VCF-style: chr9-140637938-T-G.
Other names: c.939T>G, p.Ile313Met (NM_001145527.2, NM_001354611.2); c.846T>G, p.Ile282Met (NM_001354259.2, NM_001354612.2); c.918T>G, p.Ile306Met (NM_001354263.2); short protein forms I282M, I313M, I306M.
Identifiers: ClinVar variation 5009954 (VCV005009954.1).
Genomic context (GRCh38, chr9:137,743,486, plus strand): 5'-GGGAACCTATAGCCTGGTTCCTAAGAAAAAGACCAAAGTATTAAAACAGAGGACGGTGAT[T>G]GAGATGTTTAAGAGCATAACTCATTCCACTGTGGGTTCCAAGGTAAGAGACGCATTTGAG-3'
Protein context (NP_079033.4, residues 303-323): KTKVLKQRTV[Ile313Met]EMFKSITHST